The following is an entry in ClinVar:

ClinVar aggregate classification (germline): Conflicting classifications of pathogenicity. Review status: criteria provided, conflicting classifications (1 of 4 stars). 2 submissions from 2 submitters: Uncertain significance (1); Likely benign (1). Last evaluated 2025-04-17.

Conditions:
Combined oxidative phosphorylation defect type 14. Also called: Combined oxidative phosphorylation deficiency 14. Identifiers: Orphanet 319519, MedGen C4755312, MONDO:0013986, OMIM 614946.
Inborn genetic diseases. Identifiers: MedGen C0950123, MeSH D030342.

Allele frequency attached by ClinVar (database versions not stated): gnomAD exomes 0.00001; ExAC 0.00002; gnomAD 0.00003 and 0.00004; TOPMed 0.00003; ESP Exome Variant Server 0.00008.
gnomAD v4.1: 22 of 1,612,568 alleles (0.0014%); highest among the groups gnomAD compares: African/African-American, 0.008%; no homozygotes.

Submissions (2):

Labcorp Genetics (formerly Invitae), Labcorp
Classification: Uncertain significance for Combined oxidative phosphorylation defect type 14. Last evaluated: 2025-04-17. Review status: criteria provided, single submitter. Criteria: Invitae Variant Classification Sherloc (09022015). Collection method: clinical testing. Allele origin: germline.
Comment: This sequence change replaces alanine, which is neutral and non-polar, with threonine, which is neutral and polar, at codon 377 of the FARS2 protein (p.Ala377Thr). This variant is present in population databases (rs145186610, gnomAD 0.01%). This variant has not been reported in the literature in individuals affected with FARS2-related conditions. ClinVar contains an entry for this variant (Variation ID: 851979). Invitae Evidence Modeling of protein sequence and biophysical properties (such as structural, functional, and spatial information, amino acid conservation, physicochemical variation, residue mobility, and thermodynamic stability) indicates that this missense variant is not expected to disrupt FARS2 protein function with a negative predictive value of 95%. In summary, the available evidence is currently insufficient to determine the role of this variant in disease. Therefore, it has been classified as a Variant of Uncertain Significance.

Ambry Genetics
Classification: Likely benign for Inborn genetic diseases. Last evaluated: 2024-08-11. Review status: criteria provided, single submitter. Criteria: Ambry Variant Classification Scheme 2023. Collection method: clinical testing. Allele origin: germline.

NM_006567.5(FARS2):c.1129G>A (p.Ala377Thr)

Gene: FARS2 (phenylalanyl-tRNA synthetase 2, mitochondrial; plus strand). Cytogenetic location: 6p25.1.
Variant type: single nucleotide variant.
Coding change: c.1129G>A on transcript NM_006567.5 (MANE Select); coding-DNA position 1129, G replaced by A.
Protein change: p.Ala377Thr; replaces alanine 377 with threonine.
Molecular consequence: missense variant.
Genome position (GRCh38, 1-based): chr6:5,613,232, G>A. VCF-style: chr6-5613232-G-A. GRCh37 (hg19) VCF-style: chr6-5613465-G-A.
Other names: c.1129G>A, p.Ala377Thr (NM_001318872.2, NM_001374875.1, NM_001374876.1 and 4 more transcripts); c.997G>A, p.Ala333Thr (NM_001375258.1); c.433G>A, p.Ala145Thr (NM_001375259.1, NM_001375260.1); short protein forms A333T, A145T, A377T.
Identifiers: ClinVar variation 851979 (VCV000851979.10), dbSNP rs145186610, ClinGen allele CA3623893.